The following is an entry in ClinVar:

ClinVar aggregate classification (germline): Benign. Review status: criteria provided, multiple submitters, no conflicts (2 of 4 stars). 3 submissions from 3 submitters: Benign (2). 1 of the submissions does not count toward it. Last evaluated 2018-06-05.

Conditions:
GCC2-related disorder. Also called: GCC2-related condition.

Allele frequency attached by ClinVar (database versions not stated): TOPMed 0.01753; 1000 Genomes Project 0.01817; ESP Exome Variant Server 0.01945; 1000 Genomes Project 30x 0.01983.

Submissions (3):

Labcorp Genetics (formerly Invitae), Labcorp
Classification: Benign. Last evaluated: 2018-06-05. Review status: criteria provided, single submitter. Criteria: Invitae Variant Classification Sherloc (09022015). Collection method: clinical testing. Allele origin: germline.

Breakthrough Genomics
Classification: Benign. Review status: criteria provided, single submitter. Criteria: ACMG Guidelines, 2015. Collection method: not provided. Allele origin: germline. Inheritance: Unknown mechanism. Affected: yes.

PreventionGenetics, part of Exact Sciences
Classification: Benign for GCC2-related condition. Last evaluated: 2019-07-10. Review status: no assertion criteria provided. Collection method: clinical testing. Allele origin: germline. Not counted in ClinVar's aggregate classification.
Comment: This variant is classified as benign based on ACMG/AMP sequence variant interpretation guidelines (Richards et al. 2015 PMID: 25741868, with internal and published modifications).

NM_181453.4(GCC2):c.4437G>T (p.Pro1479=)

Gene: GCC2 (GRIP and coiled-coil domain containing 2; plus strand). Cytogenetic location: 2q12.3.
Variant type: single nucleotide variant.
Coding change: c.4437G>T on transcript NM_181453.4 (MANE Select); coding-DNA position 4437, G replaced by T.
Protein change: p.Pro1479=; no amino-acid change (proline 1479 retained).
Molecular consequence: synonymous variant. On other transcripts: non-coding transcript variant (1).
Genome position (GRCh38, 1-based): chr2:108,492,780, G>T. VCF-style: chr2-108492780-G-T. GRCh37 (hg19) VCF-style: chr2-109109236-G-T.
Identifiers: ClinVar variation 780831 (VCV000780831.6), dbSNP rs73954367, ClinGen allele CA1821293.